The following is an entry in ClinVar:

ClinVar aggregate classification (germline): Pathogenic. Review status: criteria provided, multiple submitters, no conflicts (2 of 4 stars). 2 submissions from 2 submitters: Pathogenic (2). Last evaluated 2024-01-19.

Conditions:
Duchenne muscular dystrophy (DMD). Also called: Duchenne Muscular Dystrophy (DMD); MUSCULAR DYSTROPHY, PSEUDOHYPERTROPHIC PROGRESSIVE, DUCHENNE TYPE. Identifiers: Orphanet 98896, MedGen C0013264, MONDO:0010679, OMIM 310200.

Submissions (2):

Labcorp Genetics (formerly Invitae), Labcorp
Classification: Pathogenic for Duchenne muscular dystrophy. Last evaluated: 2024-01-19. Review status: criteria provided, single submitter. Criteria: Invitae Variant Classification Sherloc (09022015). Collection method: clinical testing. Allele origin: germline.
Comment: This sequence change creates a premature translational stop signal (p.Leu1797Thrfs*4) in the DMD gene. It is expected to result in an absent or disrupted protein product. Loss-of-function variants in DMD are known to be pathogenic (PMID: 16770791, 25007885). This variant is not present in population databases (gnomAD no frequency). This variant has not been reported in the literature in individuals affected with DMD-related conditions. ClinVar contains an entry for this variant (Variation ID: 804747). For these reasons, this variant has been classified as Pathogenic.

Athena Diagnostics
Classification: Pathogenic. Last evaluated: 2019-04-08. Review status: criteria provided, single submitter. Criteria: Athena Diagnostics Criteria. Collection method: clinical testing. Allele origin: germline.
Comment: The variant results in a shift of the reading frame, and is therefore predicted to result in the loss of a functional protein. Found in at least one symptomatic patient, and not found in general population data.

Literature cited by the submitters: PubMed 16770791 (cited by Labcorp Genetics (formerly Invitae), Labcorp); PubMed 25007885 (cited by Labcorp Genetics (formerly Invitae), Labcorp).

NM_004006.3(DMD):c.5387dup (p.Leu1797fs)

Gene: DMD (dystrophin; minus strand). Cytogenetic location: Xp21.1.
Variant type: Duplication.
Coding change: c.5387dup on transcript NM_004006.3 (MANE Select); coding-DNA position 5387, one base duplicated (C; older notation c.5387dupC).
Protein change: p.Leu1797fs; shifts the reading frame from leucine 1797.
Molecular consequence: frameshift variant.
Genome position (GRCh38, 1-based): chrX:32,348,467, G duplicated on the plus strand (C on the coding strand, the reverse complement: DMD is on the minus strand); the first of 2 consecutive G bases (chrX:32,348,467-32,348,468); duplicating either gives the same sequence. VCF-style (leftmost placement, unchanged base first): chrX-32348466-T-TG. GRCh37 (hg19) VCF-style: chrX-32366583-T-TG.
Other names: c.5363dup, p.Leu1789fs (NM_000109.4); c.5375dup, p.Leu1793fs (NM_004009.3); c.5018dup, p.Leu1674fs (NM_004010.3); c.1364dup, p.Leu456fs (NM_004011.4); c.1355dup, p.Leu453fs (NM_004012.4); short protein forms L1674fs, L1797fs, L1793fs, L456fs, L1789fs, L453fs.
Identifiers: ClinVar variation 804747 (VCV000804747.4), dbSNP rs1603631365, ClinGen allele CA915950929.